The following is an entry in ClinVar:

ClinVar aggregate classification (germline): Uncertain significance (1 of 4 stars; one submission).

Submission:

Labcorp Genetics (formerly Invitae), Labcorp
Classification: Uncertain significance. Last evaluated: 2024-02-16. Review status: criteria provided, single submitter. Criteria: Invitae Variant Classification Sherloc (09022015). Collection method: clinical testing. Allele origin: germline.
Comment: This sequence change results in a frameshift in the NTHL1 gene (p.Leu305Lysfs*38). While this is not anticipated to result in nonsense mediated decay, it is expected to disrupt the last 8 amino acid(s) of the NTHL1 protein and extend the protein by 29 additional amino acid residues. This variant is not present in population databases (gnomAD no frequency). This variant has not been reported in the literature in individuals affected with NTHL1-related conditions. ClinVar contains an entry for this variant (Variation ID: 2127531). Experimental studies and prediction algorithms are not available or were not evaluated, and the functional significance of this variant is currently unknown. In summary, the available evidence is currently insufficient to determine the role of this variant in disease. Therefore, it has been classified as a Variant of Uncertain Significance.

NM_002528.7(NTHL1):c.884_888dup (p.Leu297fs)

Gene: NTHL1 (nth like DNA glycosylase 1; minus strand). Cytogenetic location: 16p13.3.
Variant type: Duplication.
Coding change: c.884_888dup on transcript NM_002528.7 (MANE Select); coding-DNA positions 884 to 888, 5 bases duplicated (AAGCC; older notation c.884_888dupAAGCC).
Protein change: p.Leu297fs; shifts the reading frame from leucine 297.
Molecular consequence: frameshift variant.
Genome position (GRCh38, 1-based): chr16:2,039,951-2,039,955, GGCTT duplicated on the plus strand (AAGCC on the coding strand, the reverse complement: NTHL1 is on the minus strand); duplicating any 5 consecutive bases within chr16:2,039,951-2,039,957 gives the same sequence; the c. name uses the placement nearest the transcript's 3' end. VCF-style (leftmost placement, unchanged base first): chr16-2039950-G-GGGCTT. GRCh37 (hg19) VCF-style: chr16-2089951-G-GGGCTT.
Other names: c.713_717dup, p.Leu240fs (NM_001318193.2); c.554_558dup, p.Leu187fs (NM_001318194.2); short protein forms L240fs, L297fs, L187fs.
Identifiers: ClinVar variation 2127531 (VCV002127531.4), dbSNP rs2548311285, ClinGen allele CA2580090495.